The following is an entry in ClinVar:

NM_022841.7(RFX7):c.1232_1237del (p.Thr411_Gln413delinsLys)

Gene: RFX7 (regulatory factor X7; minus strand). Cytogenetic location: 15q21.3.
Variant type: Deletion.
Coding change: c.1232_1237del on transcript NM_022841.7 (MANE Select); coding-DNA positions 1232 to 1237, 6 bases deleted (CTCCCC; older notation c.1232_1237delCTCCCC).
Protein change: p.Thr411_Gln413delinsLys.
Molecular consequence: inframe indel.
Genome position (GRCh38, 1-based): chr15:56,096,491-56,096,496, GGGGAG deleted on the plus strand (CTCCCC on the coding strand, the reverse complement: RFX7 is on the minus strand). VCF-style (leftmost placement, unchanged base first): chr15-56096490-TGGGGAG-T. GRCh37 (hg19) VCF-style: chr15-56388688-TGGGGAG-T.
Other names: c.941_946del, p.Thr314_Gln316delinsLys (NM_001368073.2, NM_001368074.1, NM_001370554.1); c.1232_1237del, p.Thr411_Gln413delinsLys (NM_001370561.1).
Identifiers: ClinVar variation 4854507 (VCV004854507.1).

ClinVar aggregate classification (germline): Uncertain significance (1 of 4 stars; one submission).

Conditions:
Intellectual developmental disorder, autosomal dominant 71, with behavioral abnormalities (MRD71). Identifiers: MedGen C5830437, MONDO:0957228, OMIM 620330.

Submission:

3billion
Classification: Uncertain significance for Intellectual developmental disorder, autosomal dominant 71, with behavioral abnormalities. Last evaluated: 2025-08-13. Review status: criteria provided, single submitter. Criteria: ACMG Guidelines, 2015. Collection method: clinical testing. Allele origin: germline. Affected: yes.
Comment: The variant is not observed in the gnomAD v4.1.0 dataset. Predicted Consequence/Location: Inframe deletion located in a nonrepeat region: predicted to change the length of the protein and disrupt normal protein function. Therefore, this variant is classified as VUS according to the recommendation of ACMG/AMP guideline.